The following is an entry in ClinVar:

NM_005591.4(MRE11):c.1225+2T>A

Gene: MRE11 (MRE11 double strand break repair nuclease; minus strand). Cytogenetic location: 11q21.
Variant type: single nucleotide variant.
Coding change: c.1225+2T>A on transcript NM_005591.4 (MANE Select); the canonical splice donor site of the intron after coding-DNA position 1225, T replaced by A.
Molecular consequence: splice donor variant.
Genome position (GRCh38, 1-based): chr11:94,464,111, A>T on the plus strand (T>A on the coding strand, the complement: MRE11 is on the minus strand). VCF-style: chr11-94464111-A-T. GRCh37 (hg19) VCF-style: chr11-94197277-A-T.
Other names: c.1225+2T>A (NM_001330347.2, NM_005590.4).
Identifiers: ClinVar variation 937370 (VCV000937370.8), dbSNP rs145058858, ClinGen allele CA382372631.

ClinVar aggregate classification (germline): Likely pathogenic (1 of 4 stars; one submission).

Conditions:
Ataxia-telangiectasia-like disorder (ATLD). Identifiers: MedGen C1858391, MONDO:0011457.

Allele frequency attached by ClinVar (database versions not stated): TOPMed below 0.00001; gnomAD 0.00001.
gnomAD v4.1: 1 of 1,612,772 alleles (0.000062%); highest among the groups gnomAD compares: African/African-American, 0.0013%; no homozygotes.

Submission:

Labcorp Genetics (formerly Invitae), Labcorp
Classification: Likely pathogenic for Ataxia-telangiectasia-like disorder. Last evaluated: 2019-08-31. Review status: criteria provided, single submitter. Criteria: Invitae Variant Classification Sherloc (09022015). Collection method: clinical testing. Allele origin: germline.
Comment: In summary, the currently available evidence indicates that the variant is pathogenic, but additional data are needed to prove that conclusively. Therefore, this variant has been classified as Likely Pathogenic. Donor and acceptor splice site variants typically lead to a loss of protein function (PMID: 16199547), and loss-of-function variants in MRE11 are known to be pathogenic (PMID: 23080121, 23912341). This variant has not been reported in the literature in individuals with MRE11-related conditions. This variant is not present in population databases (ExAC no frequency). This sequence change affects a donor splice site in intron 11 of the MRE11 gene. It is expected to disrupt RNA splicing and likely results in an absent or disrupted protein product.

Literature cited by the submitters: PubMed 16199547; PubMed 23080121; PubMed 23912341.